The following is an entry in ClinVar:

NM_001378454.1(ALMS1):c.3152C>A (p.Pro1051Gln)

Gene: ALMS1 (ALMS1 centrosome and basal body associated protein; plus strand). Cytogenetic location: 2p13.1.
Variant type: single nucleotide variant.
Coding change: c.3152C>A on transcript NM_001378454.1 (MANE Select); coding-DNA position 3152, C replaced by A.
Protein change: p.Pro1051Gln; replaces proline 1051 with glutamine.
Molecular consequence: missense variant.
Genome position (GRCh38, 1-based): chr2:73,449,679, C>A. VCF-style: chr2-73449679-C-A. GRCh37 (hg19) VCF-style: chr2-73676806-C-A.
Other names: c.3155C>A, p.Pro1052Gln (NM_015120.4); short protein forms P1051Q, P1052Q.
Identifiers: ClinVar variation 3624192 (VCV003624192.2).

ClinVar aggregate classification (germline): Uncertain significance (1 of 4 stars; one submission).

Conditions:
Alstrom syndrome (ALMS). Identifiers: Orphanet 64, MedGen C0268425, MONDO:0008763, OMIM 203800.

gnomAD v4.1: 1 of 1,614,096 alleles (0.000062%); highest among the groups gnomAD compares: Non-Finnish European, 0.000085%; no homozygotes.

Submission:

Labcorp Genetics (formerly Invitae), Labcorp
Classification: Uncertain significance for Alstrom syndrome. Last evaluated: 2025-01-01. Review status: criteria provided, single submitter. Criteria: Invitae Variant Classification Sherloc (09022015). Collection method: clinical testing. Allele origin: germline.
Comment: This sequence change replaces proline, which is neutral and non-polar, with glutamine, which is neutral and polar, at codon 1052 of the ALMS1 protein (p.Pro1052Gln). This variant is present in population databases (no rsID available, gnomAD 0.0009%). This variant has not been reported in the literature in individuals affected with ALMS1-related conditions. Experimental studies and prediction algorithms are not available or were not evaluated, and the functional significance of this variant is currently unknown. In summary, the available evidence is currently insufficient to determine the role of this variant in disease. Therefore, it has been classified as a Variant of Uncertain Significance.